The following is an entry in ClinVar:

ClinVar aggregate classification (germline): Uncertain significance (1 of 4 stars; one submission).

Conditions:
Familial cold autoinflammatory syndrome 2 (FCAS2). Identifiers: Orphanet 247868, MedGen C2673198, MONDO:0012724, OMIM 611762.

gnomAD v4.1: 1 of 1,614,008 alleles (0.000062%); highest among the groups gnomAD compares: South Asian, 0.0011%; no homozygotes.

Submission:

Labcorp Genetics (formerly Invitae), Labcorp
Classification: Uncertain significance for Familial cold autoinflammatory syndrome 2. Last evaluated: 2020-06-21. Review status: criteria provided, single submitter. Criteria: Invitae Variant Classification Sherloc (09022015). Collection method: clinical testing. Allele origin: germline.
Comment: In summary, the available evidence is currently insufficient to determine the role of this variant in disease. Therefore, it has been classified as a Variant of Uncertain Significance. Algorithms developed to predict the effect of sequence changes on RNA splicing suggest that this variant may create or strengthen a splice site, but this prediction has not been confirmed by published transcriptional studies. Algorithms developed to predict the effect of missense changes on protein structure and function (SIFT, PolyPhen-2, Align-GVGD) all suggest that this variant is likely to be disruptive, but these predictions have not been confirmed by published functional studies and their clinical significance is uncertain. This variant has not been reported in the literature in individuals with NLRP12-related conditions. This variant is not present in population databases (ExAC no frequency). This sequence change replaces proline with arginine at codon 334 of the NLRP12 protein (p.Pro334Arg). The proline residue is highly conserved and there is a moderate physicochemical difference between proline and arginine.

NM_144687.4(NLRP12):c.1001C>G (p.Pro334Arg)

Gene: NLRP12 (NLR family pyrin domain containing 12; minus strand). Cytogenetic location: 19q13.42.
Variant type: single nucleotide variant.
Coding change: c.1001C>G on transcript NM_144687.4 (MANE Select); coding-DNA position 1001, C replaced by G.
Protein change: p.Pro334Arg; replaces proline 334 with arginine.
Molecular consequence: missense variant.
Genome position (GRCh38, 1-based): chr19:53,810,658, G>C on the plus strand (C>G on the coding strand, the complement: NLRP12 is on the minus strand). VCF-style: chr19-53810658-G-C. GRCh37 (hg19) VCF-style: chr19-54313912-G-C.
Other names: c.1001C>G, p.Pro334Arg (NM_001277126.2, NM_001277129.1); short protein forms P334R.
Identifiers: ClinVar variation 1016859 (VCV001016859.8), dbSNP rs780487558, ClinGen allele CA407415231.